The following is an entry in ClinVar:

NC_000008.10:g.(?_1841715)_(1905429_?)del

Gene: ARHGEF10 (Rho guanine nucleotide exchange factor 10; plus strand). Cytogenetic location: 8p23.3.
Variant type: Deletion.
Identifiers: ClinVar variation 1411839 (VCV001411839.7).

ClinVar aggregate classification (germline): Uncertain significance (1 of 4 stars; one submission).

Submission:

Labcorp Genetics (formerly Invitae), Labcorp
Classification: Uncertain significance. Last evaluated: 2021-02-21. Review status: criteria provided, single submitter. Criteria: Invitae Variant Classification Sherloc (09022015). Collection method: clinical testing. Allele origin: germline.
Comment: In summary, the available evidence is currently insufficient to determine the role of this variant in disease. Therefore, it has been classified as a Variant of Uncertain Significance. Experimental studies and prediction algorithms are not available or were not evaluated, and the functional significance of this variant is currently unknown. This variant has not been reported in the literature in individuals with ARHGEF10-related conditions. This variant is a gross deletion of the genomic region encompassing exon(s) 12-29 of the ARHGEF10 gene. The 5' boundary is likely confined to intron 11. The 3' end of this event is unknown as it extends through the termination codon beyond the assayed region for this gene and may encompass additional genes. While this deletion is not anticipated to lead to nonsense mediated decay, it is expected to alter mRNA translation or result in a truncated protein product.